The following is an entry in ClinVar:

ClinVar aggregate classification (germline): Uncertain significance. Review status: criteria provided, multiple submitters, no conflicts (2 of 4 stars). 4 submissions from 4 submitters: Uncertain significance (4). Last evaluated 2026-06-17.

Conditions:
Inborn genetic diseases. Identifiers: MedGen C0950123, MeSH D030342.
Leber congenital amaurosis 7 (LCA7). Identifiers: Orphanet 65, MedGen C3151192, MONDO:0013449, OMIM 613829.
Cone-rod dystrophy 2 (CORD2). Also called: CONE-ROD RETINAL DYSTROPHY; Cone-rod retinal dystrophy 2. Identifiers: Orphanet 1872, MedGen C3489532, MONDO:0007362, OMIM 120970.
CRX-related disorder. Also called: CRX-related condition.

Allele frequency attached by ClinVar (database versions not stated): ExAC 0.00002; gnomAD 0.00007; ESP Exome Variant Server 0.00008.

Submissions (4):

PreventionGenetics, part of Exact Sciences
Classification: Uncertain significance for CRX-related condition. Last evaluated: 2026-06-17. Review status: criteria provided, single submitter. Criteria: ACMG Guidelines, 2015. Collection method: clinical testing. Allele origin: germline.
Comment: The CRX c.565G>A variant is predicted to result in the amino acid substitution p.Ala189Thr. To our knowledge, this variant has not been reported in the literature. This variant is reported in 0.017% of alleles in individuals of Latino descent in gnomAD. At this time, the clinical significance of this variant is uncertain due to the absence of conclusive functional and genetic evidence.

Labcorp Genetics (formerly Invitae), Labcorp
Classification: Uncertain significance for Cone-rod dystrophy 2; Leber congenital amaurosis 7. Last evaluated: 2025-10-20. Review status: criteria provided, single submitter. Criteria: Invitae Variant Classification Sherloc (09022015). Collection method: clinical testing. Allele origin: germline.
Comment: This sequence change replaces alanine, which is neutral and non-polar, with threonine, which is neutral and polar, at codon 189 of the CRX protein (p.Ala189Thr). This variant is present in population databases (rs142111462, gnomAD 0.02%). This variant has not been reported in the literature in individuals affected with CRX-related conditions. ClinVar contains an entry for this variant (Variation ID: 1410915). Invitae Evidence Modeling of protein sequence and biophysical properties (such as structural, functional, and spatial information, amino acid conservation, physicochemical variation, residue mobility, and thermodynamic stability) indicates that this missense variant is not expected to disrupt CRX protein function with a negative predictive value of 95%. In summary, the available evidence is currently insufficient to determine the role of this variant in disease. Therefore, it has been classified as a Variant of Uncertain Significance.

Ambry Genetics
Classification: Uncertain significance for Inborn genetic diseases. Last evaluated: 2023-12-16. Review status: criteria provided, single submitter. Criteria: Ambry Variant Classification Scheme 2023. Collection method: clinical testing. Allele origin: germline.

Blueprint Genetics
Classification: Uncertain significance. Last evaluated: 2023-04-26. Review status: criteria provided, single submitter. Criteria: ACMG Guidelines, 2015. Collection method: clinical testing. Allele origin: germline.

NM_000554.6(CRX):c.565G>A (p.Ala189Thr)

Gene: CRX (cone-rod homeobox; plus strand). Cytogenetic location: 19q13.33.
Variant type: single nucleotide variant.
Coding change: c.565G>A on transcript NM_000554.6 (MANE Select); coding-DNA position 565, G replaced by A.
Protein change: p.Ala189Thr; replaces alanine 189 with threonine.
Molecular consequence: missense variant.
Genome position (GRCh38, 1-based): chr19:47,839,632, G>A. VCF-style: chr19-47839632-G-A. GRCh37 (hg19) VCF-style: chr19-48342889-G-A.
Other names: c.565G>A (NM_000554.4, NM_000554.5); short protein forms A189T.
Identifiers: ClinVar variation 1410915 (VCV001410915.9), dbSNP rs142111462, ClinGen allele CA9544518.